The following is an entry in ClinVar:

ClinVar aggregate classification (germline): Likely benign. Review status: criteria provided, single submitter (1 of 4 stars). 2 submissions from 2 submitters: Likely benign (1). 1 of the submissions does not count toward it. Last evaluated 2025-03-25.

Conditions:
SLC16A1-related disorder. Also called: SLC16A1-related disorders; SLC16A1-related condition.

Allele frequency attached by ClinVar (database versions not stated): gnomAD exomes 0.00001; ExAC 0.00003; gnomAD 0.00015; TOPMed 0.00015; ESP Exome Variant Server 0.00023; 1000 Genomes Project 30x 0.00031.

Submissions (2):

Labcorp Genetics (formerly Invitae), Labcorp
Classification: Likely benign. Last evaluated: 2025-03-25. Review status: criteria provided, single submitter. Criteria: Invitae Variant Classification Sherloc (09022015). Collection method: clinical testing. Allele origin: germline.

PreventionGenetics, part of Exact Sciences
Classification: Likely benign for SLC16A1-related condition. Last evaluated: 2019-07-31. Review status: no assertion criteria provided. Collection method: clinical testing. Allele origin: germline. Not counted in ClinVar's aggregate classification.
Comment: This variant is classified as likely benign based on ACMG/AMP sequence variant interpretation guidelines (Richards et al. 2015 PMID: 25741868, with internal and published modifications).

NM_003051.4(SLC16A1):c.435G>A (p.Leu145=)

Gene: SLC16A1 (solute carrier family 16 member 1; minus strand). Cytogenetic location: 1p13.2.
Variant type: single nucleotide variant.
Coding change: c.435G>A on transcript NM_003051.4 (MANE Select); coding-DNA position 435, G replaced by A.
Protein change: p.Leu145=; no amino-acid change (leucine 145 retained).
Molecular consequence: synonymous variant.
Genome position (GRCh38, 1-based): chr1:112,917,971, C>T on the plus strand (G>A on the coding strand, the complement: SLC16A1 is on the minus strand). VCF-style: chr1-112917971-C-T. GRCh37 (hg19) VCF-style: chr1-113460593-C-T.
Other names: c.435G>A, p.Leu145= (NM_001166496.2); c.435G>A (NM_003051.3).
Identifiers: ClinVar variation 2720412 (VCV002720412.5), dbSNP rs149383630, ClinGen allele CA1011422.
Genomic context (GRCh38, chr1:112,917,971, plus strand): 5'-ATTGAGGGGGGCCAGAGTACAGAGGAACACAGGGCTGCCTGCCATGGCCAGTCCGTTGGC[C>T]AATGGTCGCCTCTTGTAGAAATACTTGCCAATCATGGTCAGAGCTGGATTCAAGTTGAAG-3'
Protein context (NP_003042.3, residues 135-155): IGKYFYKRRP[Leu145=]ANGLAMAGSP